The following continues an entry in ClinVar:

NM_007294.4(BRCA1):c.329dup (p.Glu111fs)

Gene: BRCA1. ClinVar aggregate classification (germline): Pathogenic. Pathogenic (1). ClinVar aggregate classification (oncogenicity): Oncogenic.

Submissions 13 to 24 of 24:

MGZ Medical Genetics Center
Classification: Pathogenic for Breast-ovarian cancer, familial, susceptibility to, 1. Last evaluated: 2022-08-24. Review status: criteria provided, single submitter. Criteria: ACMG Guidelines, 2015. Collection method: clinical testing. Allele origin: germline. Affected: yes. Observed: 2 variant alleles. Not counted in ClinVar's aggregate classification.
Comment: ACMG criteria applied: PVS1, PS4, PM2_SUP

GeneDx
Classification: Pathogenic. Last evaluated: 2021-01-19. Review status: criteria provided, single submitter. Criteria: GeneDx Variant Classification Process June 2021. Collection method: clinical testing. Allele origin: germline. Affected: yes. Not counted in ClinVar's aggregate classification.
Comment: Frameshift variant predicted to result in protein truncation or nonsense mediated decay in a gene for which loss-of-function is a known mechanism of disease; Observed in individuals with a personal and family history of breast and/or ovarian cancer (Wagner 1999, Meindl 2002, Reeves 2004, George 2016, Rummel 2017); Not observed at a significant frequency in large population cohorts (Lek 2016); Truncating variants in this gene are considered pathogenic by a well-established clinical consortium and/or database; Also known as 448dupA; This variant is associated with the following publications: (PMID: 28503720, 29625052, 26577449, 11802209, 10644434, 16267036, 20858050, 22762150, 25452441, 21702907, 27406733, 15146556, 29297111, 29310832, 26689913)

Institute of Medical Genetics and Applied Genomics, University Hospital Tübingen
Classification: Pathogenic. Last evaluated: 2020-10-23. Review status: criteria provided, single submitter. Criteria: ACMG Guidelines, 2015. Collection method: clinical testing. Allele origin: germline. Inheritance: Autosomal unknown. Affected: yes. Not counted in ClinVar's aggregate classification.

Laboratory for Molecular Medicine, Mass General Brigham Personalized Medicine
Classification: Pathogenic for Hereditary breast ovarian cancer syndrome. Last evaluated: 2020-06-19. Review status: criteria provided, single submitter. Criteria: ACMG Guidelines, 2015. Collection method: clinical testing. Allele origin: germline. Not counted in ClinVar's aggregate classification.
Comment: The p.Glu111GlyfsX3 variant in BRCA1 has been reported in at least 18 individuals with BRCA1-related cancer (first reported by Wagner 1999 PMID: 10644434). It was absent from large population studies. This variant was classified as pathogenic on 09/08/16 by the ClinGen-approved ENIGMA expert panel (Variation ID 54827). This variant is predicted to cause a frameshift, which alters the protein’s amino acid sequence beginning at position 111 and leads to a premature termination codon 3 amino acids downstream. This alteration is then predicted to lead to a truncated or absent protein. Loss of function of the BRCA1 gene is an established disease mechanism in autosomal dominant hereditary breast and ovarian cancer (HBOC). Four other variants: c.331del (p.Glu111fs); c.330_331insA (p.Glu111fs); c.329delA (p.Lys110fs); and c.329_330del (p.Lys110fs) have been identified in individuals with HBOC and are classified as pathogenic in ClinVar. In summary, this variant meets criteria to be classified as pathogenic for autosomal dominant HBOC. ACMG/AMP Criteria applied: PVS1, PM5_Strong, PM2, PS4_Strong.

GeneKor MSA
Classification: Pathogenic for Familial cancer of breast. Last evaluated: 2016-07-01. Review status: criteria provided, single submitter. Criteria: ACMG Guidelines, 2015. Collection method: clinical testing. Allele origin: germline. Affected: yes. Not counted in ClinVar's aggregate classification.

Molecular Genetics Laboratory, University of Michigan
Classification: Pathogenic for Breast-ovarian cancer, familial, susceptibility to, 1. Last evaluated: 2016-04-21. Review status: criteria provided, single submitter. Criteria: ACMG Guidelines, 2015. Collection method: clinical testing. Allele origin: germline. Affected: yes. Not counted in ClinVar's aggregate classification.

Consortium of Investigators of Modifiers of BRCA1/2 (CIMBA), c/o University of Cambridge
Classification: Pathogenic for Breast-ovarian cancer, familial, susceptibility to, 1. Last evaluated: 2015-10-02. Review status: criteria provided, single submitter. Criteria: CIMBA Mutation Classification guidelines May 2016. Collection method: clinical testing. Allele origin: germline. Not counted in ClinVar's aggregate classification.

BRCAlab, Lund University
Classification: Pathogenic for Breast-ovarian cancer, familial, susceptibility to, 1. Last evaluated: 2020-03-02. Review status: no assertion criteria provided. Collection method: clinical testing. Allele origin: germline. Affected: yes. Not counted in ClinVar's aggregate classification.

Counsyl
Classification: Pathogenic for Breast-ovarian cancer, familial, susceptibility to, 1. Last evaluated: 2016-08-30. Review status: no assertion criteria provided. Collection method: clinical testing. Allele origin: unknown. Not counted in ClinVar's aggregate classification.

Research Molecular Genetics Laboratory, Women's College Hospital, University of Toronto
Classification: Pathogenic for Hereditary breast ovarian cancer syndrome. Last evaluated: 2014-01-31. Review status: no assertion criteria provided. Collection method: research. Allele origin: germline. Affected: yes. Study: The Canadian Open Genetics Repository (COGR). Not counted in ClinVar's aggregate classification.

Sharing Clinical Reports Project (SCRP)
Classification: Pathogenic for Breast-ovarian cancer, familial 1. Last evaluated: 2012-03-02. Review status: no assertion criteria provided. Collection method: clinical testing. Allele origin: germline. Not counted in ClinVar's aggregate classification.

Breast Cancer Information Core (BIC) (BRCA1)
Classification: Pathogenic for Breast-ovarian cancer, familial 1. Last evaluated: 2002-05-29. Review status: no assertion criteria provided. Collection method: clinical testing. Allele origin: germline. Affected: yes. Observed: 6 variant alleles. Not counted in ClinVar's aggregate classification.

Literature cited by the submitters: PubMed 27454287 (cited by Center for Genomic Medicine, Rigshospitalet, Copenhagen University Hospital); PubMed 20104584 (cited by Labcorp Genetics (formerly Invitae), Labcorp); PubMed 10644434 (cited by 5 submitters); PubMed 15146556 (cited by 4 submitters); PubMed 20858050 (cited by 3 submitters); PubMed 22762150 (cited by 3 submitters); PubMed 25452441 (cited by 3 submitters); PubMed 26577449 (cited by 3 submitters); PubMed 29297111 (cited by 4 submitters); PubMed 29310832 (cited by 3 submitters); PubMed 29446198 (cited by Ambry Genetics and Quest Diagnostics Nichols Institute San Juan Capistrano); PubMed 30130155 (cited by 3 submitters); PubMed 30875412 (cited by Quest Diagnostics Nichols Institute San Juan Capistrano); PubMed 29625052 (cited by Quest Diagnostics Nichols Institute San Juan Capistrano); PubMed 33471991 (cited by Quest Diagnostics Nichols Institute San Juan Capistrano); PubMed 11802209 (cited by Quest Diagnostics Nichols Institute San Juan Capistrano and Counsyl).